The following is an entry in ClinVar:

NM_152703.5(SAMD9L):c.864G>T (p.Arg288Ser)

Gene: SAMD9L (sterile alpha motif domain containing 9 like; minus strand). Cytogenetic location: 7q21.2.
Variant type: single nucleotide variant.
Coding change: c.864G>T on transcript NM_152703.5 (MANE Select); coding-DNA position 864, G replaced by T.
Protein change: p.Arg288Ser; replaces arginine 288 with serine.
Molecular consequence: missense variant.
Genome position (GRCh38, 1-based): chr7:93,135,108, C>A on the plus strand (G>T on the coding strand, the complement: SAMD9L is on the minus strand). VCF-style: chr7-93135108-C-A. GRCh37 (hg19) VCF-style: chr7-92764421-C-A.
Other names: c.864G>T, p.Arg288Ser (NM_001303496.3, NM_001303497.3, NM_001303498.3 and 5 more transcripts); short protein forms R288S.
Identifiers: ClinVar variation 4715542 (VCV004715542.1).
Genomic context (GRCh38, chr7:93,135,108, plus strand): 5'-ATCAACTTCAATGACAAATCTGTCAGATGGTGTATTGTTCTGCAGAAGGACTTCCACAAA[C>A]CTTGGCTCCCGAATACACTTCTTGGCTTCATTGATCTCACTTTCTTCAAAATACTTTTTG-3'
Protein context (NP_689916.2, residues 278-298): NEAKKCIREP[Arg288Ser]FVEVLLQNNT

ClinVar aggregate classification (germline): Uncertain significance (1 of 4 stars; one submission).

gnomAD v4.1: 1 of 1,612,596 alleles (0.000062%); highest among the groups gnomAD compares: Non-Finnish European, 0.000085%; no homozygotes.

Submission:

Labcorp Genetics (formerly Invitae), Labcorp
Classification: Uncertain significance. Last evaluated: 2025-03-20. Review status: criteria provided, single submitter. Criteria: Invitae Variant Classification Sherloc (09022015). Collection method: clinical testing. Allele origin: germline.
Comment: This sequence change replaces arginine, which is basic and polar, with serine, which is neutral and polar, at codon 288 of the SAMD9L protein (p.Arg288Ser). This variant is not present in population databases (gnomAD no frequency). This variant has not been reported in the literature in individuals affected with SAMD9L-related conditions. An algorithm developed to predict the effect of missense changes on protein structure and function (PolyPhen-2) suggests that this variant is likely to be disruptive. In summary, the available evidence is currently insufficient to determine the role of this variant in disease. Therefore, it has been classified as a Variant of Uncertain Significance.